The following is an entry in ClinVar:

ClinVar aggregate classification (germline): Conflicting classifications of pathogenicity. Review status: criteria provided, conflicting classifications (1 of 4 stars). 4 submissions from 4 submitters: Uncertain significance (3); Likely benign (1). Last evaluated 2026-08-06.

Conditions:
Cardiovascular phenotype. Identifiers: MedGen CN230736.
JAG1-related disorder. Also called: JAG1-related disorders; JAG1-related condition.
Alagille syndrome due to a JAG1 point mutation. Also called: Alagille Syndrome 1; HEPATIC DUCTULAR HYPOPLASIA, SYNDROMATIC; JAG1-Related Alagille Syndrome. Identifiers: Orphanet 261619, Orphanet 52, MedGen C1956125, MONDO:0016862, OMIM 118450.

Allele frequency attached by ClinVar (database versions not stated): gnomAD exomes below 0.00001; gnomAD 0.00001; TOPMed 0.00001.
gnomAD v4.1: 39 of 1,614,166 alleles (0.0024%); highest among the groups gnomAD compares: Non-Finnish European, 0.003%; no homozygotes.

Submissions (4):

PreventionGenetics, part of Exact Sciences
Classification: Uncertain significance for JAG1-related condition. Last evaluated: 2026-08-06. Review status: criteria provided, single submitter. Criteria: ACMG Guidelines, 2015. Collection method: clinical testing. Allele origin: germline.
Comment: The JAG1 c.3566C>T variant is predicted to result in the amino acid substitution p.Thr1189Met. To our knowledge, this variant has not been reported in the literature. This variant is reported in 0.00088% of alleles in individuals of European (Non-Finnish) descent in gnomAD. At this time, the clinical significance of this variant is uncertain due to the absence of conclusive functional and genetic evidence.

Labcorp Genetics (formerly Invitae), Labcorp
Classification: Likely benign for Alagille syndrome due to a JAG1 point mutation. Last evaluated: 2025-11-30. Review status: criteria provided, single submitter. Criteria: Invitae Variant Classification Sherloc (09022015). Collection method: clinical testing. Allele origin: germline.

Ambry Genetics
Classification: Uncertain significance for Cardiovascular phenotype. Last evaluated: 2024-05-23. Review status: criteria provided, single submitter. Criteria: Ambry Variant Classification Scheme 2023. Collection method: clinical testing. Allele origin: germline.
Comment: The p.T1189M variant (also known as c.3566C>T), located in coding exon 26 of the JAG1 gene, results from a C to T substitution at nucleotide position 3566. The threonine at codon 1189 is replaced by methionine, an amino acid with similar properties. This amino acid position is conserved. In addition, this alteration is predicted to be tolerated by in silico analysis. Based on the available evidence, the clinical significance of this variant remains unclear.

Blueprint Genetics
Classification: Uncertain significance. Last evaluated: 2024-02-08. Review status: criteria provided, single submitter. Criteria: ACMG Guidelines, 2015. Collection method: clinical testing. Allele origin: germline.

NM_000214.3(JAG1):c.3566C>T (p.Thr1189Met)

Gene: JAG1 (jagged canonical Notch ligand 1; minus strand). Cytogenetic location: 20p12.2.
Variant type: single nucleotide variant.
Coding change: c.3566C>T on transcript NM_000214.3 (MANE Select); coding-DNA position 3566, C replaced by T.
Protein change: p.Thr1189Met; replaces threonine 1189 with methionine.
Molecular consequence: missense variant.
Genome position (GRCh38, 1-based): chr20:10,639,589, G>A on the plus strand (C>T on the coding strand, the complement: JAG1 is on the minus strand). VCF-style: chr20-10639589-G-A. GRCh37 (hg19) VCF-style: chr20-10620237-G-A.
Other names: short protein forms T1189M.
Identifiers: ClinVar variation 964096 (VCV000964096.13), dbSNP rs997363236, ClinGen allele CA311367261.
Genomic context (GRCh38, chr20:10,639,589, plus strand): 5'-TGGGCACTTTCCAAGTCTCTGTTGTCCTGTTTGTTTGTCCAGTTTGGGTGTTTTGTCGGC[G>A]TGCCGTTGGGGGGCTTCTCTTCTCTGTCTACCAGCGTGTACGCCGGCTGCTTGGCAAACC-3'
Protein context (NP_000205.1, residues 1179-1199): VDREEKPPNG[Thr1189Met]PTKHPNWTNK